The following is an entry in ClinVar:

NM_000135.4(FANCA):c.1844C>A (p.Pro615Gln)

Gene: FANCA (FA complementation group A; minus strand). Cytogenetic location: 16q24.3.
Variant type: single nucleotide variant.
Coding change: c.1844C>A on transcript NM_000135.4 (MANE Select); coding-DNA position 1844, C replaced by A.
Protein change: p.Pro615Gln; replaces proline 615 with glutamine.
Molecular consequence: missense variant.
Genome position (GRCh38, 1-based): chr16:89,775,798, G>T on the plus strand (C>A on the coding strand, the complement: FANCA is on the minus strand). VCF-style: chr16-89775798-G-T. GRCh37 (hg19) VCF-style: chr16-89842206-G-T.
Other names: c.1844C>A, p.Pro615Gln (NM_001286167.3); short protein forms P615Q.
Identifiers: ClinVar variation 3641433 (VCV003641433.3).

ClinVar aggregate classification (germline): Uncertain significance. Review status: criteria provided, multiple submitters, no conflicts (2 of 4 stars). 2 submissions from 2 submitters: Uncertain significance (2). Last evaluated 2025-04-01.

Conditions:
Fanconi anemia (FA). Also called: Fanconi's anemia. Identifiers: Orphanet 84, MedGen C0015625, MeSH D005199, MONDO:0019391.
Inborn genetic diseases. Identifiers: MedGen C0950123, MeSH D030342.

gnomAD v4.1: 3 of 1,611,724 alleles (0.00019%); highest among the groups gnomAD compares: Non-Finnish European, 0.00025%; no homozygotes.

Submissions (2):

Ambry Genetics
Classification: Uncertain significance for Inborn genetic diseases. Last evaluated: 2025-04-01. Review status: criteria provided, single submitter. Criteria: Ambry Variant Classification Scheme 2023. Collection method: clinical testing. Allele origin: germline.
Comment: The p.P615Q variant (also known as c.1844C>A), located in coding exon 21 of the FANCA gene, results from a C to A substitution at nucleotide position 1844. The proline at codon 615 is replaced by glutamine, an amino acid with similar properties. This amino acid position is conserved. In addition, this alteration is predicted to be tolerated by in silico analysis. Based on the available evidence, the clinical significance of this variant remains unclear.

Labcorp Genetics (formerly Invitae), Labcorp
Classification: Uncertain significance for Fanconi anemia. Last evaluated: 2024-03-26. Review status: criteria provided, single submitter. Criteria: Invitae Variant Classification Sherloc (09022015). Collection method: clinical testing. Allele origin: germline.
Comment: This sequence change replaces proline, which is neutral and non-polar, with glutamine, which is neutral and polar, at codon 615 of the FANCA protein (p.Pro615Gln). This variant is not present in population databases (gnomAD no frequency). This variant has not been reported in the literature in individuals affected with FANCA-related conditions. Advanced modeling of protein sequence and biophysical properties (such as structural, functional, and spatial information, amino acid conservation, physicochemical variation, residue mobility, and thermodynamic stability) performed at Invitae indicates that this missense variant is not expected to disrupt FANCA protein function with a negative predictive value of 80%. In summary, the available evidence is currently insufficient to determine the role of this variant in disease. Therefore, it has been classified as a Variant of Uncertain Significance.